The following is an entry in ClinVar:

NM_006517.5(SLC16A2):c.232G>T (p.Glu78Ter)

Gene: SLC16A2 (solute carrier family 16 member 2; plus strand). Cytogenetic location: Xq13.2.
Variant type: single nucleotide variant.
Coding change: c.232G>T on transcript NM_006517.5 (MANE Select); coding-DNA position 232, G replaced by T.
Protein change: p.Glu78Ter; replaces glutamic acid 78 with a stop codon.
Molecular consequence: nonsense.
Genome position (GRCh38, 1-based): chrX:74,421,869, G>T. VCF-style: chrX-74421869-G-T. GRCh37 (hg19) VCF-style: chrX-73641704-G-T.
Other names: short protein forms E78*.
Identifiers: ClinVar variation 2671831 (VCV002671831.1), dbSNP rs2519759427, ClinGen allele CA413656056.

ClinVar aggregate classification (germline): Pathogenic (1 of 4 stars; one submission).

Conditions:
Allan-Herndon-Dudley syndrome (AHDS). Also called: ALLAN-HERNDON SYNDROME; MENTAL RETARDATION AND MUSCULAR ATROPHY; T3 RESISTANCE; TRIIODOTHYRONINE RESISTANCE; Passos-Bueno syndrome. Identifiers: Orphanet 59, MedGen C0795889, MONDO:0010354, OMIM 300523.

Submission:

Diagnostics Services (NGS), CSIR - Centre For Cellular And Molecular Biology
Classification: Pathogenic for Allan-Herndon-Dudley syndrome. Last evaluated: 2023-12-11. Review status: criteria provided, single submitter. Criteria: ACMG Guidelines, 2015. Collection method: clinical testing. Allele origin: germline. Affected: yes. Observed: 1 variant allele, 1 hemizygote.
Comment: The c.232G>T variant is not present in publicly available population databases like 1000 Genomes, EVS, ExAC, gnomAD, Indian Exome Database or our in-house exome database. It has not been reported to the clinical databases like Human Genome Mutation Database (HGMD), ClinVar or OMIM in any affected individuals. In-silico pathogenicity prediction programs like MutationTaster2, CADD, Varsome, Franklin etc predicted this variant to be likely deleterious. This variant creates a premature translational stop codon at the 78th amino acid position of the transcript that may either result in translation of a truncated protein or cause nonsense mediated decay of the mRNA.

Literature cited by the submitters: PubMed 31585110.